The following is an entry in ClinVar:

NM_012199.5(AGO1):c.1073A>G (p.Gln358Arg)

Gene: AGO1 (argonaute RISC component 1; plus strand). Cytogenetic location: 1p34.3.
Variant type: single nucleotide variant.
Coding change: c.1073A>G on transcript NM_012199.5 (MANE Select); coding-DNA position 1073, A replaced by G.
Protein change: p.Gln358Arg; replaces glutamine 358 with arginine.
Molecular consequence: missense variant.
Genome position (GRCh38, 1-based): chr1:35,901,526, A>G. VCF-style: chr1-35901526-A-G. GRCh37 (hg19) VCF-style: chr1-36367127-A-G.
Other names: c.1073A>G, p.Gln358Arg (NM_001317122.2); c.848A>G, p.Gln283Arg (NM_001317123.2); c.1073A>G (NM_012199.3); short protein forms Q283R, Q358R.
Identifiers: ClinVar variation 992831 (VCV000992831.4), dbSNP rs2523866868, ClinGen allele CA339374913.

ClinVar aggregate classification (germline): Conflicting classifications of pathogenicity. Review status: criteria provided, conflicting classifications (1 of 4 stars). 3 submissions from 3 submitters: Pathogenic (1); Likely pathogenic (1); Uncertain significance (1). Last evaluated 2023-08-08.

Conditions:
Neurodevelopmental disorder with language delay and behavioral abnormalities, with or without seizures (NEDLBAS). Identifiers: MedGen C5830365, MONDO:0859531, OMIM 620292.

Submissions (3):

GeneDx
Classification: Pathogenic. Last evaluated: 2023-08-08. Review status: criteria provided, single submitter. Criteria: GeneDx Variant Classification Process June 2021. Collection method: clinical testing. Allele origin: germline. Affected: yes.
Comment: Not observed at significant frequency in large population cohorts (gnomAD); In silico analysis supports that this missense variant has a deleterious effect on protein structure/function; This variant is associated with the following publications: (PMID: 36563181, 34930816)

Juno Genomics, Hangzhou Juno Genomics, Inc
Classification: Uncertain significance for Neurodevelopmental disorder with language delay and behavioral abnormalities, with or without seizures. Review status: criteria provided, single submitter. Criteria: ACMG Guidelines, 2015. Collection method: clinical testing. Allele origin: germline. Affected: yes.
Comment: Absent from controls (or at extremely low frequency if recessive) in Genome Aggregation Database, Exome Sequencing Project, 1000 Genomes Project, or Exome Aggregation Consortium.;Missense variant in a gene that has a low rate of benign missense variation and where missense variants are a common mechanism of disease.;De novo (both maternity and paternity confirmed) in a patient with the disease and no family history.;The prevalence of the variant in affected individuals is significantly increased compared to the prevalence in controls.

Laboratoire de Génétique Moléculaire, CHU Bordeaux
Classification: Likely pathogenic. Review status: criteria provided, single submitter. Criteria: ACMG Guidelines, 2015. Collection method: clinical testing. Allele origin: germline. Affected: yes.